The following is an entry in ClinVar:

NM_000448.3(RAG1):c.354del (p.Phe118fs)

Gene: RAG1 (recombination activating 1; plus strand). Cytogenetic location: 11p12.
Variant type: Deletion.
Coding change: c.354del on transcript NM_000448.3 (MANE Select); coding-DNA position 354, one base deleted (T; older notation c.354delT).
Protein change: p.Phe118fs; shifts the reading frame from phenylalanine 118.
Molecular consequence: frameshift variant.
Genome position (GRCh38, 1-based): chr11:36,573,658, T deleted; the last of 4 consecutive T bases (chr11:36,573,655-36,573,658); deleting any one gives the same sequence. VCF-style (leftmost placement, unchanged base first): chr11-36573654-CT-C. GRCh37 (hg19) VCF-style: chr11-36595204-CT-C.
Other names: c.354del, p.Phe118fs (NM_001377277.1, NM_001377278.1, NM_001377279.1 and 1 more transcripts); short protein forms F118fs.
Identifiers: ClinVar variation 2108168 (VCV002108168.4), dbSNP rs1480764714, ClinGen allele CA474031309.

ClinVar aggregate classification (germline): Pathogenic (1 of 4 stars; one submission).

Conditions:
Combined immunodeficiency with skin granulomas. Identifiers: Orphanet 157949, MedGen C2673536, MONDO:0009306, OMIM 233650.
Severe combined immunodeficiency, autosomal recessive, T cell-negative, B cell-negative, NK cell-positive. Also called: SCID, T CELL-NEGATIVE, B CELL-NEGATIVE, NK CELL-POSITIVE; SCID, AR, T-cell negative, B-cell negative, NK cell-positive; Severe combined immunodeficiency due to complete RAG1/2 deficiency. Identifiers: Orphanet 331206, MedGen C1832322, MONDO:0011086, OMIM 601457.

Submission:

Labcorp Genetics (formerly Invitae), Labcorp
Classification: Pathogenic for Combined immunodeficiency with skin granulomas; Severe combined immunodeficiency, autosomal recessive, T cell-negative, B cell-negative, NK cell-positive. Last evaluated: 2023-06-12. Review status: criteria provided, single submitter. Criteria: Invitae Variant Classification Sherloc (09022015). Collection method: clinical testing. Allele origin: germline.
Comment: This sequence change creates a premature translational stop signal (p.Phe118Leufs*21) in the RAG1 gene. While this is not anticipated to result in nonsense mediated decay, it is expected to disrupt the last 926 amino acid(s) of the RAG1 protein. For these reasons, this variant has been classified as Pathogenic. This variant disrupts a region of the RAG1 protein in which other variant(s) (p.Trp959*) have been determined to be pathogenic (PMID: 11133745, 24290284, 24406074; Invitae). This suggests that this is a clinically significant region of the protein, and that variants that disrupt it are likely to be disease-causing. ClinVar contains an entry for this variant (Variation ID: 2108168). This premature translational stop signal has been observed in individual(s) with Omenn syndrome (PMID: 34664192). This variant is present in population databases (no rsID available, gnomAD 0.007%).

Literature cited by the submitters: PubMed 11133745; PubMed 24290284; PubMed 24406074; PubMed 34664192.